The following is an entry in ClinVar:

ClinVar aggregate classification (germline): Uncertain significance (1 of 4 stars; one submission).

gnomAD v4.1: 1 of 1,206,390 alleles (0.000083%); highest among the groups gnomAD compares: South Asian, 0.0018%; no homozygotes.

Submission:

GeneDx
Classification: Uncertain significance. Last evaluated: 2022-02-28. Review status: criteria provided, single submitter. Criteria: GeneDx Variant Classification Process June 2021. Collection method: clinical testing. Allele origin: germline. Affected: yes.
Comment: Not observed at significant frequency in large population cohorts (gnomAD); In silico analysis supports that this missense variant does not alter protein structure/function; Has not been previously published as pathogenic or benign to our knowledge

NM_004586.3(RPS6KA3):c.1244G>T (p.Ser415Ile)

Gene: RPS6KA3 (ribosomal protein S6 kinase A3; minus strand). Cytogenetic location: Xp22.12.
Variant type: single nucleotide variant.
Coding change: c.1244G>T on transcript NM_004586.3 (MANE Select); coding-DNA position 1244, G replaced by T.
Protein change: p.Ser415Ile; replaces serine 415 with isoleucine.
Molecular consequence: missense variant.
Genome position (GRCh38, 1-based): chrX:20,172,855, C>A on the plus strand (G>T on the coding strand, the complement: RPS6KA3 is on the minus strand). VCF-style: chrX-20172855-C-A. GRCh37 (hg19) VCF-style: chrX-20190973-C-A.
Other names: short protein forms S415I.
Identifiers: ClinVar variation 1345013 (VCV001345013.2), dbSNP rs2148658726, ClinGen allele CA412516586.
Genomic context (GRCh38, chrX:20,172,855, plus strand): 5'-ACAGAGTAGGAGCCAACTCCAATATCTTCTTTTACTTCATATCCATCAGTAAACTGAATA[C>A]TGTTCCTGTGTAACTGCTACAAAAAATTATAAATTGGTGAAGAGTCCCATAATGCCTTTA-3'
Protein context (NP_004577.1, residues 405-425): HSIVQQLHRN[Ser415Ile]IQFTDGYEVK